The following is an entry in ClinVar:

ClinVar aggregate classification (germline): Uncertain significance (1 of 4 stars; one submission).

Conditions:
Bloom syndrome (BLM). Also called: Bloom-Torre-Machacek syndrome. Identifiers: Orphanet 125, MedGen C0005859, MONDO:0008876, OMIM 210900.

Submission:

Labcorp Genetics (formerly Invitae), Labcorp
Classification: Uncertain significance for Bloom syndrome. Last evaluated: 2022-06-30. Review status: criteria provided, single submitter. Criteria: Invitae Variant Classification Sherloc (09022015). Collection method: clinical testing. Allele origin: germline.
Comment: In summary, the available evidence is currently insufficient to determine the role of this variant in disease. Therefore, it has been classified as a Variant of Uncertain Significance. Algorithms developed to predict the effect of sequence changes on RNA splicing suggest that this variant may create or strengthen a splice site. Studies have shown that this missense change alters BLM gene expression (PMID: 9285778). Algorithms developed to predict the effect of missense changes on protein structure and function are either unavailable or do not agree on the potential impact of this missense change (SIFT: "Deleterious"; PolyPhen-2: "Probably Damaging"; Align-GVGD: "Class C0"). This variant is also known as G3181T at codon 1036. This missense change has been observed in individual(s) with Bloom syndrome (PMID: 9285778). This variant is not present in population databases (gnomAD no frequency). This sequence change replaces valine, which is neutral and non-polar, with phenylalanine, which is neutral and non-polar, at codon 1061 of the BLM protein (p.Val1061Phe).

Literature cited by the submitters: PubMed 9285778.

NM_000057.4(BLM):c.3181G>T (p.Val1061Phe)

Gene: BLM (BLM RecQ like helicase; plus strand). Cytogenetic location: 15q26.1.
Variant type: single nucleotide variant.
Coding change: c.3181G>T on transcript NM_000057.4 (MANE Select); coding-DNA position 3181, G replaced by T.
Protein change: p.Val1061Phe; replaces valine 1061 with phenylalanine.
Molecular consequence: missense variant.
Genome position (GRCh38, 1-based): chr15:90,794,328, G>T. VCF-style: chr15-90794328-G-T. GRCh37 (hg19) VCF-style: chr15-91337558-G-T.
Other names: c.3181G>T, p.Val1061Phe (NM_001287246.2, NM_001287247.2); c.2056G>T, p.Val686Phe (NM_001287248.2); short protein forms V1061F, V686F.
Identifiers: ClinVar variation 2012386 (VCV002012386.4), dbSNP rs2151187426, ClinGen allele CA393847019.